The following is an entry in ClinVar:

ClinVar aggregate classification (germline): Benign (1 of 4 stars; one submission).

Allele frequency attached by ClinVar (database versions not stated): 1000 Genomes Project 0.35663; TOPMed 0.39757; 1000 Genomes Project 30x 0.35681.
gnomAD v4.1: 61,439 of 152,170 alleles (40%); highest among the groups gnomAD compares: Non-Finnish European, 47%; 12,836 homozygotes.

Submission:

GeneDx
Classification: Benign. Last evaluated: 2018-06-18. Review status: criteria provided, single submitter. Criteria: GeneDx Variant Classification (06012015). Collection method: clinical testing. Allele origin: germline. Affected: yes.
Comment: This variant is considered likely benign or benign based on one or more of the following criteria: it is a conservative change, it occurs at a poorly conserved position in the protein, it is predicted to be benign by multiple in silico algorithms, and/or has population frequency not consistent with disease.

NM_000093.5(COL5A1):c.4176+257C>G

Gene: COL5A1 (collagen type V alpha 1 chain; plus strand). Cytogenetic location: 9q34.3.
Variant type: single nucleotide variant.
Coding change: c.4176+257C>G on transcript NM_000093.5 (MANE Select); 257 bases into the intron after coding-DNA position 4176, C replaced by G.
Molecular consequence: intron variant.
Genome position (GRCh38, 1-based): chr9:134,817,336, C>G. VCF-style: chr9-134817336-C-G. GRCh37 (hg19) VCF-style: chr9-137709182-C-G.
Other names: c.4176+257C>G (NM_001278074.1).
Identifiers: ClinVar variation 683401 (VCV000683401.1), dbSNP rs11103537, ClinGen allele CA12975191.